The following is an entry in ClinVar:

ClinVar aggregate classification (germline): Uncertain significance (1 of 4 stars; one submission).

Conditions:
Beta-D-mannosidosis (MANSB). Also called: MANNOSIDOSIS, BETA A, LYSOSOMAL; BETA-MANNOSIDASE DEFICIENCY; LYSOSOMAL BETA-MANNOSIDASE DEFICIENCY; Beta-Mannosidosis. Identifiers: Orphanet 118, MedGen C4048196, MONDO:0009562, OMIM 248510.

Allele frequency attached by ClinVar (database versions not stated): gnomAD 0.00001.
gnomAD v4.1: 5 of 1,613,012 alleles (0.00031%); highest among the groups gnomAD compares: Non-Finnish European, 0.00042%; no homozygotes.

Submission:

Labcorp Genetics (formerly Invitae), Labcorp
Classification: Uncertain significance for Beta-D-mannosidosis. Last evaluated: 2022-11-15. Review status: criteria provided, single submitter. Criteria: Invitae Variant Classification Sherloc (09022015). Collection method: clinical testing. Allele origin: germline.
Comment: In summary, the available evidence is currently insufficient to determine the role of this variant in disease. Therefore, it has been classified as a Variant of Uncertain Significance. Advanced modeling of protein sequence and biophysical properties (such as structural, functional, and spatial information, amino acid conservation, physicochemical variation, residue mobility, and thermodynamic stability) performed at Invitae indicates that this missense variant is not expected to disrupt MANBA protein function. This variant has not been reported in the literature in individuals affected with MANBA-related conditions. This variant is present in population databases (no rsID available, gnomAD 0.007%). This sequence change replaces aspartic acid, which is acidic and polar, with alanine, which is neutral and non-polar, at codon 617 of the MANBA protein (p.Asp617Ala).

NM_005908.4(MANBA):c.1850A>C (p.Asp617Ala)

Gene: MANBA (mannosidase beta; minus strand). Cytogenetic location: 4q24.
Variant type: single nucleotide variant.
Coding change: c.1850A>C on transcript NM_005908.4 (MANE Select); coding-DNA position 1850, A replaced by C.
Protein change: p.Asp617Ala; replaces aspartic acid 617 with alanine.
Molecular consequence: missense variant.
Genome position (GRCh38, 1-based): chr4:102,650,556, T>G on the plus strand (A>C on the coding strand, the complement: MANBA is on the minus strand). VCF-style: chr4-102650556-T-G. GRCh37 (hg19) VCF-style: chr4-103571713-T-G.
Other names: short protein forms D617A.
Identifiers: ClinVar variation 1985598 (VCV001985598.4), dbSNP rs1352192411, ClinGen allele CA357757810.